The following is an entry in ClinVar:

ClinVar aggregate classification (germline): Benign/Likely benign. Review status: criteria provided, multiple submitters, no conflicts (2 of 4 stars). 2 submissions from 2 submitters: Benign (1); Likely benign (1). Last evaluated 2026-04-24.

Conditions:
Colorectal cancer, susceptibility to, 1. Also called: COLORECTAL ADENOMA AND CANCER, SUSCEPTIBILITY TO; COLORECTAL CANCER, SUSCEPTIBILITY TO, ON CHROMOSOME 9. Identifiers: MedGen C1837315, MONDO:0012132, OMIM 608812.

Allele frequency attached by ClinVar (database versions not stated): gnomAD exomes below 0.00001.
gnomAD v4.1: 1 of 1,614,180 alleles (0.000062%); highest among the groups gnomAD compares: Non-Finnish European, 0.000085%; no homozygotes.

Submissions (2):

Myriad Genetics, Inc.
Classification: Benign for Colorectal cancer, susceptibility to, 1. Last evaluated: 2026-04-24. Review status: criteria provided, single submitter. Criteria: Myriad Autosomal Dominant, Autosomal Recessive and X-Linked Classification Criteria (2023). Collection method: clinical testing. Allele origin: unknown.
Comment: This variant is considered benign. This variant is a silent/synonymous amino acid change and it is not expected to impact splicing.

Ambry Genetics
Classification: Likely benign. Last evaluated: 2019-08-19. Review status: criteria provided, single submitter. Criteria: Ambry Variant Classification Scheme 2023. Collection method: clinical testing. Allele origin: germline.

NM_024642.5(GALNT12):c.801C>T (p.Tyr267=)

Gene: GALNT12 (polypeptide N-acetylgalactosaminyltransferase 12; plus strand). Cytogenetic location: 9q22.33.
Variant type: single nucleotide variant.
Coding change: c.801C>T on transcript NM_024642.5 (MANE Select); coding-DNA position 801, C replaced by T.
Protein change: p.Tyr267=; no amino-acid change (tyrosine 267 retained).
Molecular consequence: synonymous variant.
Genome position (GRCh38, 1-based): chr9:98,831,841, C>T. VCF-style: chr9-98831841-C-T. GRCh37 (hg19) VCF-style: chr9-101594123-C-T.
Identifiers: ClinVar variation 1761686 (VCV001761686.3), dbSNP rs2490517497, ClinGen allele CA466424831.